The following is an entry in ClinVar:

NM_000240.4(MAOA):c.1420C>T (p.Gln474Ter)

Gene: MAOA (monoamine oxidase A; plus strand). Cytogenetic location: Xp11.3.
Variant type: single nucleotide variant.
Coding change: c.1420C>T on transcript NM_000240.4 (MANE Select); coding-DNA position 1420, C replaced by T.
Protein change: p.Gln474Ter; replaces glutamine 474 with a stop codon.
Molecular consequence: nonsense.
Genome position (GRCh38, 1-based): chrX:43,744,154, C>T. VCF-style: chrX-43744154-C-T. GRCh37 (hg19) VCF-style: chrX-43603401-C-T.
Other names: c.1021C>T, p.Gln341Ter (NM_001270458.2); short protein forms Q341*, Q474*.
Identifiers: ClinVar variation 4082335 (VCV004082335.1).

ClinVar aggregate classification (germline): Likely pathogenic (1 of 4 stars; one submission).

Conditions:
Brunner syndrome (BRNRS). Identifiers: Orphanet 3057, MedGen C0796275, MONDO:0010379, OMIM 300615.

Submission:

Institute of Human Genetics, University of Leipzig Medical Center
Classification: Likely pathogenic for Brunner syndrome. Last evaluated: 2025-07-01. Review status: criteria provided, single submitter. Criteria: ACMG Guidelines, 2015. Collection method: clinical testing. Allele origin: unknown. Inheritance: X-linked recessive inheritance. Affected: yes.
Comment: Criteria applied: PVS1_STR,PM2